The following is an entry in ClinVar:

ClinVar aggregate classification (germline): Likely benign. Review status: criteria provided, multiple submitters, no conflicts (2 of 4 stars). 6 submissions from 6 submitters: Likely benign (6). Last evaluated 2026-03-24.

Conditions:
MMUT-related disorder. Also called: MMUT-related condition.
Methylmalonic aciduria due to methylmalonyl-CoA mutase deficiency (MAMM). Also called: Methylmalonic aciduria, mut type. Identifiers: Orphanet 27, MedGen C1855114, MONDO:0009612, OMIM 251000.

Allele frequency attached by ClinVar (database versions not stated): ExAC 0.00004; gnomAD exomes 0.00004 and 0.00008; TOPMed 0.00006; gnomAD 0.00009 and 0.00010; 1000 Genomes Project 0.00020; 1000 Genomes Project 30x 0.00031.
gnomAD v4.1: 66 of 1,607,218 alleles (0.0041%); highest among the groups gnomAD compares: Admixed American, 0.045%; no homozygotes.

Submissions (6):

Women's Health and Genetics/Laboratory Corporation of America, LabCorp
Classification: Likely benign. Last evaluated: 2026-03-24. Review status: criteria provided, single submitter. Criteria: LabCorp Variant Classification Summary - May 2015. Collection method: clinical testing. Allele origin: germline.
Comment: Variant summary: MMUT c.1676+10T>C alters a nucleotide located at a position not widely known to affect splicing. Consensus agreement among computation tools predict no significant impact on normal splicing. However, these predictions have yet to be confirmed by functional studies. The variant allele was found at a frequency of 8.4e-05 in 251194 control chromosomes. The available data on variant occurrences in the general population are insufficient to allow any conclusion about variant significance. To our knowledge, no occurrence of c.1676+10T>C in individuals affected with MMUT-related conditions and no experimental evidence demonstrating its impact on protein function have been reported. ClinVar contains an entry for this variant (Variation ID: 509453). Based on the evidence outlined above, the variant was classified as likely benign.

Labcorp Genetics (formerly Invitae), Labcorp
Classification: Likely benign. Last evaluated: 2025-10-15. Review status: criteria provided, single submitter. Criteria: Invitae Variant Classification Sherloc (09022015). Collection method: clinical testing. Allele origin: germline.

PreventionGenetics, part of Exact Sciences
Classification: Likely benign for MMUT-related condition. Last evaluated: 2024-11-27. Review status: criteria provided, single submitter. Criteria: ACMG Guidelines, 2015. Collection method: clinical testing. Allele origin: germline.
Comment: This variant is classified as likely benign based on ACMG/AMP sequence variant interpretation guidelines (Richards et al. 2015 PMID: 25741868, with internal and published modifications).

Blueprint Genetics
Classification: Likely benign. Last evaluated: 2024-06-19. Review status: criteria provided, single submitter. Criteria: ACMG Guidelines, 2015. Collection method: clinical testing. Allele origin: germline.

Fulgent Genetics
Classification: Likely benign for Methylmalonic aciduria due to methylmalonyl-CoA mutase deficiency. Last evaluated: 2022-05-27. Review status: criteria provided, single submitter. Criteria: ACMG Guidelines, 2015. Collection method: clinical testing. Allele origin: unknown.

GeneDx
Classification: Likely benign. Last evaluated: 2017-05-22. Review status: criteria provided, single submitter. Criteria: GeneDx Variant Classification (06012015). Collection method: clinical testing. Allele origin: germline. Affected: yes.
Comment: This variant is considered likely benign or benign based on one or more of the following criteria: it is a conservative change, it occurs at a poorly conserved position in the protein, it is predicted to be benign by multiple in silico algorithms, and/or has population frequency not consistent with disease.

NM_000255.4(MMUT):c.1676+10T>C

Gene: MMUT (methylmalonyl-CoA mutase; minus strand). Cytogenetic location: 6p12.3.
Variant type: single nucleotide variant.
Coding change: c.1676+10T>C on transcript NM_000255.4 (MANE Select); 10 bases into the intron after coding-DNA position 1676, T replaced by C.
Molecular consequence: intron variant.
Genome position (GRCh38, 1-based): chr6:49,444,629, A>G on the plus strand (T>C on the coding strand, the complement: MMUT is on the minus strand). VCF-style: chr6-49444629-A-G. GRCh37 (hg19) VCF-style: chr6-49412342-A-G.
Identifiers: ClinVar variation 509453 (VCV000509453.14), dbSNP rs199886805, ClinGen allele CA3846788.